The following is an entry in ClinVar:

NM_032656.4(DHX37):c.2983+5C>T

Gene: DHX37 (DEAH-box helicase 37; minus strand). Cytogenetic location: 12q24.31.
Variant type: single nucleotide variant.
Coding change: c.2983+5C>T on transcript NM_032656.4 (MANE Select); 5 bases into the intron after coding-DNA position 2983, C replaced by T.
Molecular consequence: intron variant.
Genome position (GRCh38, 1-based): chr12:124,950,685, G>A on the plus strand (C>T on the coding strand, the complement: DHX37 is on the minus strand). VCF-style: chr12-124950685-G-A. GRCh37 (hg19) VCF-style: chr12-125435231-G-A.
Identifiers: ClinVar variation 1978911 (VCV001978911.4), dbSNP rs761075434, ClinGen allele CA6871434.
Genomic context (GRCh38, chr12:124,950,685, plus strand): 5'-GTCCCAGCCACACCCCCATTAGCGTCACCATCGGGGGACAAGGGGCTGTCCGCAGGCCTC[G>A]GCACCTTTCATGTACATCTTAGTGGTCTCCACGATTTCCTGGTAGACCACAAACTCGGGG-3'

ClinVar aggregate classification (germline): Uncertain significance (1 of 4 stars; one submission).

Allele frequency attached by ClinVar (database versions not stated): ExAC 0.00001; gnomAD 0.00002; TOPMed 0.00002.
gnomAD v4.1: 5 of 1,612,164 alleles (0.00031%); highest among the groups gnomAD compares: African/African-American, 0.0053%; no homozygotes.

Submission:

Labcorp Genetics (formerly Invitae), Labcorp
Classification: Uncertain significance. Last evaluated: 2022-04-12. Review status: criteria provided, single submitter. Criteria: Invitae Variant Classification Sherloc (09022015). Collection method: clinical testing. Allele origin: germline.
Comment: In summary, the available evidence is currently insufficient to determine the role of this variant in disease. Therefore, it has been classified as a Variant of Uncertain Significance. Variants that disrupt the consensus splice site are a relatively common cause of aberrant splicing (PMID: 17576681, 9536098). Algorithms developed to predict the effect of sequence changes on RNA splicing suggest that this variant is not likely to affect RNA splicing. This variant has not been reported in the literature in individuals affected with DHX37-related conditions. This variant is present in population databases (rs761075434, gnomAD 0.0009%). This sequence change falls in intron 22 of the DHX37 gene. It does not directly change the encoded amino acid sequence of the DHX37 protein. It affects a nucleotide within the consensus splice site.

Literature cited by the submitters: PubMed 17576681; PubMed 9536098.